The following is an entry in ClinVar:

NM_000548.5(TSC2):c.4581T>A (p.Phe1527Leu)

Gene: TSC2 (TSC complex subunit 2; plus strand). Cytogenetic location: 16p13.3.
Variant type: single nucleotide variant.
Coding change: c.4581T>A on transcript NM_000548.5 (MANE Select); coding-DNA position 4581, T replaced by A.
Protein change: p.Phe1527Leu; replaces phenylalanine 1527 with leucine.
Molecular consequence: missense variant.
Genome position (GRCh38, 1-based): chr16:2,085,241, T>A. VCF-style: chr16-2085241-T-A. GRCh37 (hg19) VCF-style: chr16-2135242-T-A.
Other names: c.3849T>A, p.Phe1283Leu (NM_001318831.2); c.4413T>A, p.Phe1471Leu (NM_001318832.2); c.4383T>A, p.Phe1461Leu (NM_001363528.2); c.4449T>A, p.Phe1483Leu (NM_001370404.1); c.4452T>A, p.Phe1484Leu (NM_001370405.1, NM_021055.3); c.4380T>A, p.Phe1460Leu (NM_001077183.3); c.4512T>A, p.Phe1504Leu (NM_001114382.3); c.4272T>A, p.Phe1424Leu (NM_001318827.2); and 1 more; short protein forms F1412L, F1424L, F1471L, F1504L, F1483L, F1484L, F1283L, F1461L.
Identifiers: ClinVar variation 648504 (VCV000648504.7), dbSNP rs745860116, ClinGen allele CA394304392.

ClinVar aggregate classification (germline): Uncertain significance. Review status: criteria provided, multiple submitters, no conflicts (2 of 4 stars). 2 submissions from 2 submitters: Uncertain significance (2). Last evaluated 2025-08-29.

Conditions:
Hereditary cancer-predisposing syndrome. Also called: Hereditary Cancer Syndrome; Tumor predisposition; Neoplastic Syndromes, Hereditary; Hereditary neoplastic syndrome. Identifiers: Orphanet 140162, MedGen C0027672, MeSH D009386, MONDO:0015356.
Tuberous sclerosis 2 (TSC2). Identifiers: Orphanet 805, MedGen C1860707, MONDO:0013199, OMIM 613254.

gnomAD v4.1: 1 of 1,612,744 alleles (0.000062%); highest among the groups gnomAD compares: Non-Finnish European, 0.000085%; no homozygotes.

Submissions (2):

Labcorp Genetics (formerly Invitae), Labcorp
Classification: Uncertain significance for Tuberous sclerosis 2. Last evaluated: 2025-08-29. Review status: criteria provided, single submitter. Criteria: Invitae Variant Classification Sherloc (09022015). Collection method: clinical testing. Allele origin: germline.
Comment: This sequence change replaces phenylalanine, which is neutral and non-polar, with leucine, which is neutral and non-polar, at codon 1527 of the TSC2 protein (p.Phe1527Leu). This variant is not present in population databases (gnomAD no frequency). This variant has not been reported in the literature in individuals affected with TSC2-related conditions. ClinVar contains an entry for this variant (Variation ID: 648504). Invitae Evidence Modeling of protein sequence and biophysical properties (such as structural, functional, and spatial information, amino acid conservation, physicochemical variation, residue mobility, and thermodynamic stability) indicates that this missense variant is not expected to disrupt TSC2 protein function with a negative predictive value of 95%. In summary, the available evidence is currently insufficient to determine the role of this variant in disease. Therefore, it has been classified as a Variant of Uncertain Significance.

Ambry Genetics
Classification: Uncertain significance for Hereditary cancer-predisposing syndrome. Last evaluated: 2022-12-21. Review status: criteria provided, single submitter. Criteria: Ambry Variant Classification Scheme 2023. Collection method: clinical testing. Allele origin: germline.
Comment: The p.F1527L variant (also known as c.4581T>A), located in coding exon 35 of the TSC2 gene, results from a T to A substitution at nucleotide position 4581. The phenylalanine at codon 1527 is replaced by leucine, an amino acid with highly similar properties. This amino acid position is well conserved in available vertebrate species. In addition, the in silico prediction for this alteration is inconclusive. Since supporting evidence is limited at this time, the clinical significance of this alteration remains unclear.